The following is an entry in ClinVar:

NM_000463.3(UGT1A1):c.1423C>T (p.Arg475Cys)

Genes: UGT1A (UDP glucuronosyltransferase family 1 member A complex locus; plus strand), UGT1A1 (UDP glucuronosyltransferase family 1 member A1; plus strand), UGT1A10 (UDP glucuronosyltransferase family 1 member A10; plus strand), UGT1A3 (UDP glucuronosyltransferase family 1 member A3; plus strand), UGT1A4 (UDP glucuronosyltransferase family 1 member A4; plus strand) and 5 more. Cytogenetic location: 2q37.1.
Variant type: single nucleotide variant.
Coding change: c.1423C>T on transcript NM_000463.3 (MANE Select); coding-DNA position 1423, C replaced by T.
Protein change: p.Arg475Cys; replaces arginine 475 with cysteine.
Molecular consequence: missense variant.
Genome position (GRCh38, 1-based): chr2:233,772,380, C>T. VCF-style: chr2-233772380-C-T. GRCh37 (hg19) VCF-style: chr2-234681026-C-T.
Other names: c.1414C>T, p.Arg472Cys (NM_019075.4, NM_019076.5, NM_019077.3 and 1 more transcripts); c.1420C>T, p.Arg474Cys (NM_001072.4); c.619C>T, p.Arg207Cys (NM_205862.3); c.1426C>T, p.Arg476Cys (NM_019078.2, NM_007120.3, NM_019093.4); short protein forms R475C, R207C, R472C, R474C, R476C.
Identifiers: ClinVar variation 4747152 (VCV004747152.1).

ClinVar aggregate classification (germline): Uncertain significance (1 of 4 stars; one submission).

gnomAD v4.1: 9 of 1,614,144 alleles (0.00056%); highest among the groups gnomAD compares: African/African-American, 0.004%; no homozygotes.

Submission:

Labcorp Genetics (formerly Invitae), Labcorp
Classification: Uncertain significance. Last evaluated: 2025-09-18. Review status: criteria provided, single submitter. Criteria: Invitae Variant Classification Sherloc (09022015). Collection method: clinical testing. Allele origin: germline.
Comment: This sequence change replaces arginine, which is basic and polar, with cysteine, which is neutral and slightly polar, at codon 475 of the UGT1A1 protein (p.Arg475Cys). This variant is not present in population databases (gnomAD no frequency). This missense change has been observed in individual(s) with Gilbert syndrome (PMID: 22325916). Invitae Evidence Modeling of protein sequence and biophysical properties (such as structural, functional, and spatial information, amino acid conservation, physicochemical variation, residue mobility, and thermodynamic stability) indicates that this missense variant is expected to disrupt UGT1A1 protein function with a positive predictive value of 80%. In summary, the available evidence is currently insufficient to determine the role of this variant in disease. Therefore, it has been classified as a Variant of Uncertain Significance.

Literature cited by the submitters: PubMed 22325916.